The following is an entry in ClinVar:

NM_006922.4(SCN3A):c.167A>G (p.Glu56Gly)

Gene: SCN3A (sodium voltage-gated channel alpha subunit 3; minus strand). Cytogenetic location: 2q24.3.
Variant type: single nucleotide variant.
Coding change: c.167A>G on transcript NM_006922.4 (MANE Select); coding-DNA position 167, A replaced by G.
Protein change: p.Glu56Gly; replaces glutamic acid 56 with glycine.
Molecular consequence: missense variant.
Genome position (GRCh38, 1-based): chr2:165,176,228, T>C on the plus strand (A>G on the coding strand, the complement: SCN3A is on the minus strand). VCF-style: chr2-165176228-T-C. GRCh37 (hg19) VCF-style: chr2-166032738-T-C.
Other names: c.167A>G, p.Glu56Gly (NM_001081676.2, NM_001081677.2); short protein forms E56G.
Identifiers: ClinVar variation 4750103 (VCV004750103.1).

ClinVar aggregate classification (germline): Uncertain significance (1 of 4 stars; one submission).

gnomAD v4.1: 10 of 1,614,126 alleles (0.00062%); highest among the groups gnomAD compares: Non-Finnish European, 0.00085%; no homozygotes.

Submission:

Labcorp Genetics (formerly Invitae), Labcorp
Classification: Uncertain significance. Last evaluated: 2025-08-30. Review status: criteria provided, single submitter. Criteria: Invitae Variant Classification Sherloc (09022015). Collection method: clinical testing. Allele origin: germline.
Comment: This sequence change replaces glutamic acid, which is acidic and polar, with glycine, which is neutral and non-polar, at codon 56 of the SCN3A protein (p.Glu56Gly). This variant is not present in population databases (gnomAD no frequency). This variant has not been reported in the literature in individuals affected with SCN3A-related conditions. Invitae Evidence Modeling of protein sequence and biophysical properties (such as structural, functional, and spatial information, amino acid conservation, physicochemical variation, residue mobility, and thermodynamic stability) indicates that this missense variant is not expected to disrupt SCN3A protein function with a negative predictive value of 95%. In summary, the available evidence is currently insufficient to determine the role of this variant in disease. Therefore, it has been classified as a Variant of Uncertain Significance.